The following is an entry in ClinVar:

ClinVar aggregate classification (germline): Uncertain significance (1 of 4 stars; one submission).

Conditions:
Gorlin syndrome. Also called: Nevoid Basal Cell Carcinoma Syndrome; Basal cell nevus syndrome. Identifiers: Orphanet 377, MedGen C0004779, MONDO:0007187.

gnomAD v4.1: 5 of 1,614,136 alleles (0.00031%); highest among the groups gnomAD compares: Non-Finnish European, 0.00042%; no homozygotes.

Submission:

Labcorp Genetics (formerly Invitae), Labcorp
Classification: Uncertain significance for Gorlin syndrome. Last evaluated: 2025-08-31. Review status: criteria provided, single submitter. Criteria: Invitae Variant Classification Sherloc (09022015). Collection method: clinical testing. Allele origin: germline.
Comment: This sequence change replaces valine, which is neutral and non-polar, with phenylalanine, which is neutral and non-polar, at codon 1030 of the PTCH2 protein (p.Val1030Phe). This variant is present in population databases (rs199862624, gnomAD 0.003%). This variant has not been reported in the literature in individuals affected with PTCH2-related conditions. Invitae Evidence Modeling of protein sequence and biophysical properties (such as structural, functional, and spatial information, amino acid conservation, physicochemical variation, residue mobility, and thermodynamic stability) indicates that this missense variant is not expected to disrupt PTCH2 protein function with a negative predictive value of 80%. In summary, the available evidence is currently insufficient to determine the role of this variant in disease. Therefore, it has been classified as a Variant of Uncertain Significance.

NM_003738.5(PTCH2):c.3088G>T (p.Val1030Phe)

Gene: PTCH2 (patched 2; minus strand). Cytogenetic location: 1p34.1.
Variant type: single nucleotide variant.
Coding change: c.3088G>T on transcript NM_003738.5 (MANE Select); coding-DNA position 3088, G replaced by T.
Protein change: p.Val1030Phe; replaces valine 1030 with phenylalanine.
Molecular consequence: missense variant.
Genome position (GRCh38, 1-based): chr1:44,826,276, C>A on the plus strand (G>T on the coding strand, the complement: PTCH2 is on the minus strand). VCF-style: chr1-44826276-C-A. GRCh37 (hg19) VCF-style: chr1-45291948-C-A.
Other names: c.3088G>T, p.Val1030Phe (NM_001166292.2); short protein forms V1030F.
Identifiers: ClinVar variation 4739514 (VCV004739514.1).